The following is an entry in ClinVar:

NM_001540.5(HSPB1):c.571_583del (p.Leu191fs)

Gene: HSPB1 (heat shock protein family B (small) member 1; plus strand). Cytogenetic location: 7q11.23.
Variant type: Deletion.
Coding change: c.571_583del on transcript NM_001540.5 (MANE Select); coding-DNA positions 571 to 583, 13 bases deleted (CTTGGGGGCCCAG).
Protein change: p.Leu191fs; shifts the reading frame from leucine 191.
Molecular consequence: frameshift variant.
Genome position (GRCh38, 1-based): chr7:76,304,126-76,304,138, CTTGGGGGCCCAG deleted; deleting any 13 consecutive bases within chr7:76,304,118-76,304,138 gives the same sequence; the c. name uses the placement nearest the transcript's 3' end. VCF-style (leftmost placement, unchanged base first): chr7-76304117-CGGGCCCAGCTTGG-C. GRCh37 (hg19) VCF-style: chr7-75933434-CGGGCCCAGCTTGG-C.
Other names: short protein forms L191fs.
Identifiers: ClinVar variation 2967050 (VCV002967050.3), dbSNP rs1218039816, ClinGen allele CA575585820.

ClinVar aggregate classification (germline): Uncertain significance (1 of 4 stars; one submission).

Conditions:
Charcot-Marie-Tooth disease axonal type 2F (CMT2F). Also called: Charcot-Marie-Tooth Neuropathy Type 2F; CHARCOT-MARIE-TOOTH DISEASE, NEURONAL, TYPE 2F. Identifiers: Orphanet 99940, MedGen C1847823, MONDO:0011687, OMIM 606595.

Submission:

Labcorp Genetics (formerly Invitae), Labcorp
Classification: Uncertain significance for Charcot-Marie-Tooth disease axonal type 2F. Last evaluated: 2023-02-01. Review status: criteria provided, single submitter. Criteria: Invitae Variant Classification Sherloc (09022015). Collection method: clinical testing. Allele origin: germline.
Comment: This sequence change results in a frameshift in the HSPB1 gene (p.Leu191Lysfs*36). While this is not anticipated to result in nonsense mediated decay, it is expected to disrupt the last 15 amino acid(s) of the HSPB1 protein and extend the protein by 20 additional amino acid residues. In summary, the available evidence is currently insufficient to determine the role of this variant in disease. Therefore, it has been classified as a Variant of Uncertain Significance. This variant has not been reported in the literature in individuals affected with HSPB1-related conditions. This variant is present in population databases (no rsID available, gnomAD 0.0009%).